The following is an entry in ClinVar:

NM_000487.6(ARSA):c.854+3A>T

Gene: ARSA (arylsulfatase A; minus strand). Cytogenetic location: 22q13.33.
Variant type: single nucleotide variant.
Coding change: c.854+3A>T on transcript NM_000487.6 (MANE Select); 3 bases into the intron after coding-DNA position 854, A replaced by T.
Molecular consequence: intron variant.
Genome position (GRCh38, 1-based): chr22:50,626,588, T>A on the plus strand (A>T on the coding strand, the complement: ARSA is on the minus strand). VCF-style: chr22-50626588-T-A. GRCh37 (hg19) VCF-style: chr22-51065016-T-A.
Other names: c.596+3A>T (NM_001362782.2, NM_001085428.3); c.854+3A>T (NM_001085427.3, NM_001085426.3, NM_001085425.3).
Identifiers: ClinVar variation 5038450 (VCV005038450.1).
Genomic context (GRCh38, chr22:50,626,588, plus strand): 5'-GCAAGGCCTCCAGGGCCCTGGCCCGTGACAGGGCCGGAGCACCCAGCTGCCCTGCTGGCA[T>A]ACCCATTGTCTGCAGTGAAGATGACCAGCGTCTCTTCAAGCAGCCCCAGGTCCCCTATGG-3'

ClinVar aggregate classification (germline): Uncertain significance (1 of 4 stars; one submission).

Conditions:
Metachromatic leukodystrophy (MLD). Also called: METACHROMATIC LEUKOENCEPHALOPATHY; SULFATIDE LIPIDOSIS; ARSA DEFICIENCY; CEREBROSIDE SULFATASE DEFICIENCY; Arylsulfatase A Deficiency; Cerebral sclerosis diffuse metachromatic form. Identifiers: Orphanet 512, MedGen C0023522, MONDO:0018868, OMIM 250100.

Submission:

Center of Excellence of Human Genetics, National Research Center
Classification: Uncertain significance for Metachromatic leukodystrophy. Review status: criteria provided, single submitter. Criteria: ACMG Guidelines, 2015. Collection method: clinical testing. Allele origin: germline. Affected: yes.
Comment: The sequence change c.854+3A>T in ARSA is a single nucleotide substitution located in the intronic region between coding sequences corresponding to exon 4 and exon 5. It involves an A-to-T change at the third nucleotide position downstream of the exon–intron junction on the donor side of the intron.

Literature cited by the submitters: PubMed 40067424.